The following is an entry in ClinVar:

ClinVar aggregate classification (germline): Likely benign (0 of 4 stars; one submission).

Conditions:
LAMA5-related disorder. Also called: LAMA5-related condition; LAMA5-Related Disorders.

Allele frequency attached by ClinVar (database versions not stated): gnomAD 0.00003; TOPMed 0.00003; 1000 Genomes Project 30x 0.00016; 1000 Genomes Project 0.00020.
gnomAD v4.1: 32 of 1,540,732 alleles (0.0021%); highest among the groups gnomAD compares: East Asian, 0.02%; no homozygotes.

Submission:

PreventionGenetics, part of Exact Sciences
Classification: Likely benign for LAMA5-related condition. Last evaluated: 2022-12-19. Review status: no assertion criteria provided. Collection method: clinical testing. Allele origin: germline.
Comment: This variant is classified as likely benign based on ACMG/AMP sequence variant interpretation guidelines (Richards et al. 2015 PMID: 25741868, with internal and published modifications).

NM_005560.6(LAMA5):c.3723G>A (p.Pro1241=)

Gene: LAMA5 (laminin subunit alpha 5; minus strand). Cytogenetic location: 20q13.33.
Variant type: single nucleotide variant.
Coding change: c.3723G>A on transcript NM_005560.6 (MANE Select); coding-DNA position 3723, G replaced by A.
Protein change: p.Pro1241=; no amino-acid change (proline 1241 retained).
Molecular consequence: synonymous variant.
Genome position (GRCh38, 1-based): chr20:62,330,872, C>T on the plus strand (G>A on the coding strand, the complement: LAMA5 is on the minus strand). VCF-style: chr20-62330872-C-T. GRCh37 (hg19) VCF-style: chr20-60905928-C-T.
Identifiers: ClinVar variation 3061614 (VCV003061614.2), dbSNP rs201685485, ClinGen allele CA317262024.
Genomic context (GRCh38, chr20:62,330,872, plus strand): 5'-AGCTGGGGACATGGCTGGAGTGAGATCCTGCGCGTGGGTCAGCGGGAGGCCGGGCGGCAG[C>T]GGGATCACCTGGCAGTCCCTGAGGATGATGGGCTGGGGCGGCTTTGGGAAGCGCGAGGGC-3'
Protein context (NP_005551.3, residues 1231-1251): PIILRDCQVI[Pro1241=]LPPGLPLTHA